The following is an entry in ClinVar:

ClinVar aggregate classification (germline): Likely benign. Review status: criteria provided, multiple submitters, no conflicts (2 of 4 stars). 4 submissions from 4 submitters: Likely benign (3). 1 of the submissions does not count toward it. Last evaluated 2025-06-26.

Conditions:
CDH23-related disorder. Also called: CDH23-related condition; CDH23-related disorders.

Allele frequency attached by ClinVar (database versions not stated): ExAC 0.00004; gnomAD 0.00005 and 0.00006; gnomAD exomes 0.00002; 1000 Genomes Project 0.00020; TOPMed 0.00004; 1000 Genomes Project 30x 0.00031.
gnomAD v4.1: 21 of 1,613,936 alleles (0.0013%); highest among the groups gnomAD compares: African/African-American, 0.011%; no homozygotes.

Submissions (4):

Labcorp Genetics (formerly Invitae), Labcorp
Classification: Likely benign. Last evaluated: 2025-06-26. Review status: criteria provided, single submitter. Criteria: Invitae Variant Classification Sherloc (09022015). Collection method: clinical testing. Allele origin: germline.

Blueprint Genetics
Classification: Likely benign. Last evaluated: 2023-10-30. Review status: criteria provided, single submitter. Criteria: ACMG Guidelines, 2015. Collection method: clinical testing. Allele origin: germline.

GeneDx
Classification: Likely benign. Last evaluated: 2020-12-28. Review status: criteria provided, single submitter. Criteria: GeneDx Variant Classification Process June 2021. Collection method: clinical testing. Allele origin: germline. Affected: yes.

PreventionGenetics, part of Exact Sciences
Classification: Likely benign for CDH23-related condition. Last evaluated: 2019-09-11. Review status: no assertion criteria provided. Collection method: clinical testing. Allele origin: germline. Not counted in ClinVar's aggregate classification.
Comment: This variant is classified as likely benign based on ACMG/AMP sequence variant interpretation guidelines (Richards et al. 2015 PMID: 25741868, with internal and published modifications).

NM_022124.6(CDH23):c.3618C>T (p.Pro1206=)

Genes: C10orf105 (chromosome 10 open reading frame 105; minus strand), CDH23 (cadherin related 23; plus strand). Cytogenetic location: 10q22.1.
Variant type: single nucleotide variant.
Coding change: c.3618C>T on transcript NM_022124.6 (MANE Select); coding-DNA position 3618, C replaced by T.
Protein change: p.Pro1206=; no amino-acid change (proline 1206 retained).
Molecular consequence: synonymous variant. On other transcripts: intron variant (1).
Genome position (GRCh38, 1-based): chr10:71,730,507, C>T. VCF-style: chr10-71730507-C-T. GRCh37 (hg19) VCF-style: chr10-73490264-C-T.
Other names: c.3618C>T, p.Pro1206= (NM_001171930.2); c.-6+7221G>A (NM_001168390.2).
Identifiers: ClinVar variation 1110918 (VCV001110918.14), dbSNP rs547970498, ClinGen allele CA5544791.